The following is an entry in ClinVar:

NM_001145319.2(PLS1):c.136C>T (p.Pro46Ser)

Gene: PLS1 (plastin 1; plus strand). Cytogenetic location: 3q23.
Variant type: single nucleotide variant.
Coding change: c.136C>T on transcript NM_001145319.2 (MANE Select); coding-DNA position 136, C replaced by T.
Protein change: p.Pro46Ser; replaces proline 46 with serine.
Molecular consequence: missense variant.
Genome position (GRCh38, 1-based): chr3:142,669,455, C>T. VCF-style: chr3-142669455-C-T. GRCh37 (hg19) VCF-style: chr3-142388297-C-T.
Other names: c.136C>T, p.Pro46Ser (NM_001172312.2, NM_002670.3); short protein forms P46S.
Identifiers: ClinVar variation 1711969 (VCV001711969.2), dbSNP rs765159104, ClinGen allele CA2650948.
Genomic context (GRCh38, chr3:142,669,455, plus strand): 5'-GACAATAGTGGGTATGTCAGTGACTATGAACTTCAAGACCTGTTTAAGGAAGCAAGCCTT[C>T]CTCTGCCTGGCTACAAGGTGCGCGAGATTGTGGAGAAAATTCTATCAGTTGCTGACAGCA-3'
Protein context (NP_001138791.1, residues 36-56): LQDLFKEASL[Pro46Ser]LPGYKVREIV

ClinVar aggregate classification (germline): Uncertain significance (1 of 4 stars; one submission).

Allele frequency attached by ClinVar (database versions not stated): TOPMed below 0.00001; ExAC 0.00001.

Submission:

GeneDx
Classification: Uncertain significance. Last evaluated: 2022-04-19. Review status: criteria provided, single submitter. Criteria: GeneDx Variant Classification Process June 2021. Collection method: clinical testing. Allele origin: germline. Affected: yes.
Comment: Not observed at significant frequency in large population cohorts (gnomAD); In silico analysis supports that this missense variant has a deleterious effect on protein structure/function; Has not been previously published as pathogenic or benign to our knowledge